The following is an entry in ClinVar:

ClinVar aggregate classification (germline): Uncertain significance (1 of 4 stars; one submission).

Submission:

CeGaT Center for Human Genetics Tuebingen
Classification: Uncertain significance. Last evaluated: 2024-05-01. Review status: criteria provided, single submitter. Criteria: CeGaT Center For Human Genetics Tuebingen Variant Classification Criteria Version 2. Collection method: clinical testing. Allele origin: germline. Affected: yes. Observed: 1 variant allele.
Comment: PDLIM4: PM2, PP2

NM_003687.4(PDLIM4):c.61C>T (p.Arg21Trp)

Gene: PDLIM4 (PDZ and LIM domain 4; plus strand). Cytogenetic location: 5q31.1.
Variant type: single nucleotide variant.
Coding change: c.61C>T on transcript NM_003687.4 (MANE Select); coding-DNA position 61, C replaced by T.
Protein change: p.Arg21Trp; replaces arginine 21 with tryptophan.
Molecular consequence: missense variant.
Genome position (GRCh38, 1-based): chr5:132,257,795, C>T. VCF-style: chr5-132257795-C-T. GRCh37 (hg19) VCF-style: chr5-131593488-C-T.
Other names: c.61C>T, p.Arg21Trp (NM_001131027.2); short protein forms R21W.
Identifiers: ClinVar variation 3239453 (VCV003239453.19), dbSNP rs2531900676.